The following is an entry in ClinVar:

NM_206933.4(USH2A):c.8681G>C (p.Arg2894Thr)

Gene: USH2A (usherin; minus strand). Cytogenetic location: 1q41.
Variant type: single nucleotide variant.
Coding change: c.8681G>C on transcript NM_206933.4 (MANE Select); coding-DNA position 8681, G replaced by C.
Protein change: p.Arg2894Thr; replaces arginine 2894 with threonine.
Molecular consequence: missense variant.
Genome position (GRCh38, 1-based): chr1:215,877,758, C>G on the plus strand (G>C on the coding strand, the complement: USH2A is on the minus strand). VCF-style: chr1-215877758-C-G. GRCh37 (hg19) VCF-style: chr1-216051100-C-G.
Other names: short protein forms R2894T.
Identifiers: ClinVar variation 1472700 (VCV001472700.6), dbSNP rs1369414978, ClinGen allele CA344828775.

ClinVar aggregate classification (germline): Uncertain significance (1 of 4 stars; one submission).

Submission:

Labcorp Genetics (formerly Invitae), Labcorp
Classification: Uncertain significance. Last evaluated: 2021-09-10. Review status: criteria provided, single submitter. Criteria: Invitae Variant Classification Sherloc (09022015). Collection method: clinical testing. Allele origin: germline.
Comment: This variant has not been reported in the literature in individuals affected with USH2A-related conditions. In summary, the available evidence is currently insufficient to determine the role of this variant in disease. Therefore, it has been classified as a Variant of Uncertain Significance. Variants that disrupt the consensus splice site are a relatively common cause of aberrant splicing (PMID: 17576681, 9536098). Algorithms developed to predict the effect of sequence changes on RNA splicing suggest that this variant may disrupt the consensus splice site. Algorithms developed to predict the effect of missense changes on protein structure and function (SIFT, PolyPhen-2, Align-GVGD) all suggest that this variant is likely to be disruptive. This variant is not present in population databases (ExAC no frequency). This sequence change replaces arginine with threonine at codon 2894 of the USH2A protein (p.Arg2894Thr). The arginine residue is highly conserved and there is a moderate physicochemical difference between arginine and threonine. This variant also falls at the last nucleotide of exon 43, which is part of the consensus splice site for this exon.

Literature cited by the submitters: PubMed 17576681; PubMed 9536098.